The following is an entry in ClinVar:

ClinVar aggregate classification (germline): Uncertain significance (1 of 4 stars; one submission).

Allele frequency attached by ClinVar (database versions not stated): gnomAD exomes below 0.00001.

Submission:

Women's Health and Genetics/Laboratory Corporation of America, LabCorp
Classification: Uncertain significance. Last evaluated: 2023-02-28. Review status: criteria provided, single submitter. Criteria: LabCorp Variant Classification Summary - May 2015. Collection method: clinical testing. Allele origin: germline.
Comment: Variant summary: ZNF711 c.119A>G (p.His40Arg) results in a non-conservative amino acid change in the encoded protein sequence. Four of five in-silico tools predict a damaging effect of the variant on protein function. The variant was absent in 182603 control chromosomes (gnomAD). The available data on variant occurrences in the general population are insufficient to allow any conclusion about variant significance. To our knowledge, no occurrence of c.119A>G in individuals affected with X-Linked Intellectual Disability 97 and no experimental evidence demonstrating its impact on protein function have been reported. No clinical diagnostic laboratories have submitted clinical-significance assessments for this variant to ClinVar after 2014. Based on the evidence outlined above, the variant was classified as uncertain significance.

NM_001330574.2(ZNF711):c.119A>G (p.His40Arg)

Gene: ZNF711 (zinc finger protein 711; plus strand). Cytogenetic location: Xq21.1.
Variant type: single nucleotide variant.
Coding change: c.119A>G on transcript NM_001330574.2 (MANE Select); coding-DNA position 119, A replaced by G.
Protein change: p.His40Arg; replaces histidine 40 with arginine.
Molecular consequence: missense variant.
Genome position (GRCh38, 1-based): chrX:85,255,298, A>G. VCF-style: chrX-85255298-A-G. GRCh37 (hg19) VCF-style: chrX-84510304-A-G.
Other names: c.119A>G, p.His40Arg (NM_001375431.1, NM_001375432.1, NM_001375433.1 and 5 more transcripts); c.119A>G (NM_021998.4); short protein forms H40R.
Identifiers: ClinVar variation 2445705 (VCV002445705.1), dbSNP rs2520239570, ClinGen allele CA413773644.